The following is an entry in ClinVar:

ClinVar aggregate classification (germline): Likely benign (1 of 4 stars; one submission).

gnomAD v4.1: 38 of 1,614,008 alleles (0.0024%); highest among the groups gnomAD compares: Admixed American, 0.0083%; no homozygotes.

Submission:

CeGaT Center for Human Genetics Tuebingen
Classification: Likely benign. Last evaluated: 2026-07-01. Review status: criteria provided, single submitter. Criteria: CeGaT Center For Human Genetics Tuebingen Variant Classification Criteria Version 2. Collection method: clinical testing. Allele origin: germline. Affected: yes. Observed: 1 variant allele.
Comment: CARS1: BP4, BP7

NM_001014437.3(CARS1):c.2109C>T (p.Asn703=)

Gene: CARS1 (cysteinyl-tRNA synthetase 1; minus strand). Cytogenetic location: 11p15.4.
Variant type: single nucleotide variant.
Coding change: c.2109C>T on transcript NM_001014437.3 (MANE Select); coding-DNA position 2109, C replaced by T.
Protein change: p.Asn703=; no amino-acid change (asparagine 703 retained).
Molecular consequence: synonymous variant. On other transcripts: non-coding transcript variant (4).
Genome position (GRCh38, 1-based): chr11:3,006,919, G>A on the plus strand (C>T on the coding strand, the complement: CARS1 is on the minus strand). VCF-style: chr11-3006919-G-A. GRCh37 (hg19) VCF-style: chr11-3028149-G-A.
Other names: c.2109C>T, p.Asn703= (NM_001194997.2); c.1899C>T, p.Asn633= (NM_001378136.1); c.1830C>T, p.Asn610= (NM_001378137.1, NM_001378138.1, NM_001378139.1 and 1 more transcripts); c.1584C>T, p.Asn528= (NM_001378140.1); c.1860C>T, p.Asn620= (NM_001751.6, NM_139273.4).
Identifiers: ClinVar variation 5038739 (VCV005038739.1).